The following is an entry in ClinVar:

ClinVar aggregate classification (germline): Uncertain significance. Review status: criteria provided, multiple submitters, no conflicts (2 of 4 stars). 2 submissions from 2 submitters: Uncertain significance (2). Last evaluated 2026-02-26.

Conditions:
Inborn genetic diseases. Identifiers: MedGen C0950123, MeSH D030342.

Allele frequency attached by ClinVar (database versions not stated): gnomAD exomes below 0.00001; ExAC 0.00001; TOPMed 0.00001; ESP Exome Variant Server 0.00008.
gnomAD v4.1: 2 of 1,613,470 alleles (0.00012%); highest among the groups gnomAD compares: Non-Finnish European, 0.00017%; no homozygotes.

Submissions (2):

Ambry Genetics
Classification: Uncertain significance for Inborn genetic diseases. Last evaluated: 2026-02-26. Review status: criteria provided, single submitter. Criteria: Ambry Variant Classification Scheme 2023. Collection method: clinical testing. Allele origin: germline.

Labcorp Genetics (formerly Invitae), Labcorp
Classification: Uncertain significance. Last evaluated: 2023-02-11. Review status: criteria provided, single submitter. Criteria: Invitae Variant Classification Sherloc (09022015). Collection method: clinical testing. Allele origin: germline.
Comment: This variant has not been reported in the literature in individuals affected with DNA2-related conditions. In summary, the available evidence is currently insufficient to determine the role of this variant in disease. Therefore, it has been classified as a Variant of Uncertain Significance. Advanced modeling of protein sequence and biophysical properties (such as structural, functional, and spatial information, amino acid conservation, physicochemical variation, residue mobility, and thermodynamic stability) performed at Invitae indicates that this missense variant is expected to disrupt DNA2 protein function. This variant is present in population databases (rs369587693, gnomAD 0.0009%). This sequence change replaces glycine, which is neutral and non-polar, with glutamic acid, which is acidic and polar, at codon 651 of the DNA2 protein (p.Gly651Glu).

NM_001080449.3(DNA2):c.1952G>A (p.Gly651Glu)

Gene: DNA2 (DNA replication helicase/nuclease 2; minus strand). Cytogenetic location: 10q21.3.
Variant type: single nucleotide variant.
Coding change: c.1952G>A on transcript NM_001080449.3 (MANE Select); coding-DNA position 1952, G replaced by A.
Protein change: p.Gly651Glu; replaces glycine 651 with glutamic acid.
Molecular consequence: missense variant. On other transcripts: non-coding transcript variant (1).
Genome position (GRCh38, 1-based): chr10:68,431,893, C>T on the plus strand (G>A on the coding strand, the complement: DNA2 is on the minus strand). VCF-style: chr10-68431893-C-T. GRCh37 (hg19) VCF-style: chr10-70191650-C-T.
Other names: c.1952G>A (NM_001080449.2); short protein forms G651E.
Identifiers: ClinVar variation 2003391 (VCV002003391.5), dbSNP rs369587693, ClinGen allele CA5524934.
Genomic context (GRCh38, chr10:68,431,893, plus strand): 5'-GTCTCTAAGCAGAAGAATAATAACCTTACGAGAGTACATATCGTAGTTGTTTTTCCTGTC[C>T]CAGGCATACCCACGATGAGTGTGTAGTCTTTTGAAAGAAGTACCTTTTTCATCGCTTGCC-3'
Protein context (NP_001073918.2, residues 641-661): KDYTLIVGMP[Gly651Glu]TGKTTTICTL